The following is an entry in ClinVar:

NM_000179.3(MSH6):c.3641A>C (p.Glu1214Ala)

Gene: MSH6 (mutS homolog 6; plus strand). Cytogenetic location: 2p16.3.
Variant type: single nucleotide variant.
Coding change: c.3641A>C on transcript NM_000179.3 (MANE Select); coding-DNA position 3641, A replaced by C.
Protein change: p.Glu1214Ala; replaces glutamic acid 1214 with alanine.
Molecular consequence: missense variant. On other transcripts: non-coding transcript variant (5).
Genome position (GRCh38, 1-based): chr2:47,805,702, A>C. VCF-style: chr2-47805702-A-C. GRCh37 (hg19) VCF-style: chr2-48032841-A-C.
Other names: c.3344A>C, p.Glu1115Ala (NM_001406827.1, NM_001406828.1, NM_001406830.1 and 10 more transcripts); c.2735A>C, p.Glu912Ala (NM_001406829.1, NM_001281493.2, NM_001281494.2 and 6 more transcripts); c.422A>C, p.Glu141Ala (NM_001406831.1); c.488A>C, p.Glu163Ala (NM_001406832.1); c.1586A>C, p.Glu529Ala (NM_001407362.1); c.3473A>C, p.Glu1158Ala (NM_001406826.1); c.3251A>C, p.Glu1084Ala (NM_001281492.2); c.3737A>C, p.Glu1246Ala (NM_001406795.1, NM_001406802.1); and 7 more; short protein forms E1115A, E1158A, E1216A, E1246A, E1084A, E1156A, E1188A, E529A.
Identifiers: ClinVar variation 5024927 (VCV005024927.1).

ClinVar aggregate classification (germline): Likely pathogenic (1 of 4 stars; one submission).

Conditions:
Hereditary cancer-predisposing syndrome. Also called: Neoplastic Syndromes, Hereditary; Tumor predisposition; Hereditary neoplastic syndrome; Hereditary Cancer Syndrome. Identifiers: Orphanet 140162, MedGen C0027672, MeSH D009386, MONDO:0015356.

Submission:

Ambry Genetics
Classification: Likely pathogenic for Hereditary cancer-predisposing syndrome. Last evaluated: 2026-08-13. Review status: criteria provided, single submitter. Criteria: Ambry Variant Classification Scheme 2023. Collection method: clinical testing. Allele origin: germline.
Comment: The p.E1214A variant (also known as c.3641A>C), located in coding exon 7 of the MSH6 gene, results from an A to C substitution at nucleotide position 3641. The glutamic acid at codon 1214 is replaced by alanine, an amino acid with dissimilar properties. Another variant at the same codon, p.E1214K (c.3640G>A), has been identified in individuals with features consistent with Lynch syndrome (Ambry internal data). This amino acid position is highly conserved in available vertebrate species. In addition, this alteration is predicted to be deleterious by in silico analysis. Based on the majority of available evidence to date, this variant is likely to be pathogenic.